The following is an entry in ClinVar:

NM_001197104.2(KMT2A):c.7658T>C (p.Ile2553Thr)

Gene: KMT2A (lysine methyltransferase 2A; plus strand). Cytogenetic location: 11q23.3.
Variant type: single nucleotide variant.
Coding change: c.7658T>C on transcript NM_001197104.2 (MANE Select); coding-DNA position 7658, T replaced by C.
Protein change: p.Ile2553Thr; replaces isoleucine 2553 with threonine.
Molecular consequence: missense variant.
Genome position (GRCh38, 1-based): chr11:118,503,550, T>C. VCF-style: chr11-118503550-T-C. GRCh37 (hg19) VCF-style: chr11-118374265-T-C.
Other names: c.7748T>C, p.Ile2583Thr (NM_001412597.1); c.7649T>C, p.Ile2550Thr (NM_005933.4); short protein forms I2550T, I2553T, I2583T.
Identifiers: ClinVar variation 4806188 (VCV004806188.1).

ClinVar aggregate classification (germline): Uncertain significance (1 of 4 stars; one submission).

gnomAD v4.1: 8 of 1,613,894 alleles (0.0005%); highest among the groups gnomAD compares: Non-Finnish European, 0.00059%; no homozygotes.

Submission:

Labcorp Genetics (formerly Invitae), Labcorp
Classification: Uncertain significance. Last evaluated: 2025-05-01. Review status: criteria provided, single submitter. Criteria: Invitae Variant Classification Sherloc (09022015). Collection method: clinical testing. Allele origin: germline.
Comment: This sequence change replaces isoleucine, which is neutral and non-polar, with threonine, which is neutral and polar, at codon 2553 of the KMT2A protein (p.Ile2553Thr). This variant is not present in population databases (gnomAD no frequency). This variant has not been reported in the literature in individuals affected with KMT2A-related conditions. Invitae Evidence Modeling of protein sequence and biophysical properties (such as structural, functional, and spatial information, amino acid conservation, physicochemical variation, residue mobility, and thermodynamic stability) indicates that this missense variant is not expected to disrupt KMT2A protein function with a negative predictive value of 95%. In summary, the available evidence is currently insufficient to determine the role of this variant in disease. Therefore, it has been classified as a Variant of Uncertain Significance.